The following is an entry in ClinVar:

NM_001165963.4(SCN1A):c.5470G>T (p.Glu1824Ter)

Genes: SCN1A (sodium voltage-gated channel alpha subunit 1; minus strand), LOC102724058 (uncharacterized LOC102724058; plus strand). Cytogenetic location: 2q24.3.
Variant type: single nucleotide variant.
Coding change: c.5470G>T on transcript NM_001165963.4 (MANE Select); coding-DNA position 5470, G replaced by T.
Protein change: p.Glu1824Ter; replaces glutamic acid 1824 with a stop codon.
Molecular consequence: nonsense. On other transcripts: non-coding transcript variant (1).
Genome position (GRCh38, 1-based): chr2:165,991,805, C>A on the plus strand (G>T on the coding strand, the complement: SCN1A is on the minus strand). VCF-style: chr2-165991805-C-A. GRCh37 (hg19) VCF-style: chr2-166848315-C-A.
Other names: c.5386G>T, p.Glu1796Ter (NM_001165964.3, NM_001353957.2, NM_001353958.2); c.5470G>T, p.Glu1824Ter (NM_001202435.3, NM_001353948.2); c.5437G>T, p.Glu1813Ter (NM_001353949.2, NM_001353950.2, NM_001353951.2 and 2 more transcripts); c.5434G>T, p.Glu1812Ter (NM_001353954.2, NM_001353955.2); c.5383G>T, p.Glu1795Ter (NM_001353960.2); c.3028G>T, p.Glu1010Ter (NM_001353961.2); short protein forms E1813*, E1824*, E1010*, E1812*, E1795*, E1796*.
Identifiers: ClinVar variation 189932 (VCV000189932.1), dbSNP rs794726769, ClinGen allele CA303342.
Genomic context (GRCh38, chr2:165,991,805, plus strand): 5'-GTTGTGGCAGATTGAGAGGCGGTTCAAGCGCAGCTGCAAACTGAGATAATTTTTCAAATT[C>A]CATGAACTGAGTTGCATCGGGATCAAACTTCTCCCAAACCTCATAGAACATCTCAAAGTC-3'

ClinVar aggregate classification (germline): Pathogenic (1 of 4 stars; one submission).

Conditions:
Severe myoclonic epilepsy in infancy (DRVT). Also called: Epileptic encephalopathy, early infantile, 6 (Dravet syndrome); SEVERE MYOCLONIC EPILEPSY OF INFANCY; DEVELOPMENTAL AND EPILEPTIC ENCEPHALOPATHY 6A; Severe Myoclonic Epilepsy in Infancy (SMEI); Dravet syndrome. Identifiers: Orphanet 33069, MedGen C0751122, MONDO:0100135, OMIM 607208.

Submission:

Center for Bioinformatics, Peking University
Classification: Pathogenic for Dravet syndrome. Last evaluated: 2014-12-20. Review status: criteria provided, single submitter. Criteria: Xu et al. (Hum Mutat. 2015). Collection method: research. Allele origin: de novo. Affected: yes. Observed: 1 variant allele. Study: University Clinical Cooperation “985 Project” PKU-2014-1-1.
Comment: Dravet syndrome (DS) probands were recruited from the outpatient and inpatient child neurology units of Peking University First Hospital from 2005 till present. The study was approved by the Ethics Committee of Peking University First Hospital and the Institutional Review Board at Peking University. Participants or their parents provided written informed consent before enrollment. We collected a total of 267 mutations from 255 families with probands diagnosed with DS in China. All probands fulfilled the clinical diagnostic criteria.